The following is an entry in ClinVar:

ClinVar aggregate classification (germline): Conflicting classifications of pathogenicity. Review status: criteria provided, conflicting classifications (1 of 4 stars). 5 submissions from 5 submitters: Uncertain significance (1); Benign (1); Likely benign (2). 1 of the submissions does not count toward it. Last evaluated 2026-02-03.

Conditions:
COL18A1-related disorder. Also called: COL18A1-related disorders; COL18A1-related condition.

Allele frequency attached by ClinVar (database versions not stated): ESP Exome Variant Server 0.00017; gnomAD exomes 0.00027; ExAC 0.00030; 1000 Genomes Project 0.00060; 1000 Genomes Project 30x 0.00062; TOPMed 0.00065; gnomAD 0.00070 and 0.00071.
gnomAD v4.1: 287 of 1,608,844 alleles (0.018%); highest among the groups gnomAD compares: African/African-American, 0.21%; 2 homozygotes.

Submissions (5):

Labcorp Genetics (formerly Invitae), Labcorp
Classification: Benign. Last evaluated: 2026-02-03. Review status: criteria provided, single submitter. Criteria: Invitae Variant Classification Sherloc (09022015). Collection method: clinical testing. Allele origin: germline.

Women's Health and Genetics/Laboratory Corporation of America, LabCorp
Classification: Likely benign. Last evaluated: 2025-10-29. Review status: criteria provided, single submitter. Criteria: LabCorp Variant Classification Summary - May 2015. Collection method: clinical testing. Allele origin: germline.
Comment: Variant summary: COL18A1 c.2890C>T (p.Arg964Trp) results in a non-conservative amino acid change in the encoded protein sequence. Algorithms developed to predict the effect of missense changes on protein structure and function are either unavailable or do not agree on the potential impact of this missense change. The variant allele was found at a frequency of 0.00027 in 232440 control chromosomes, predominantly at a frequency of 0.0027 within the Ashkenazi Jewish subpopulation in the gnomAD database. The observed variant frequency within Ashkenazi Jewish control individuals in the gnomAD database exceeds the estimated maximal expected allele frequency for disease-causing variants in COL18A1. To our knowledge, no occurrence of c.2890C>T in individuals affected with COL18A1-related conditions and no experimental evidence demonstrating its impact on protein function have been reported. ClinVar contains an entry for this variant (Variation ID: 1218124). Based on the evidence outlined above, the variant was classified as likely benign.

Blueprint Genetics
Classification: Likely benign. Last evaluated: 2024-08-06. Review status: criteria provided, single submitter. Criteria: ACMG Guidelines, 2015. Collection method: clinical testing. Allele origin: germline.

GeneDx
Classification: Uncertain significance. Last evaluated: 2024-02-11. Review status: criteria provided, single submitter. Criteria: GeneDx Variant Classification Process June 2021. Collection method: clinical testing. Allele origin: germline. Affected: yes.
Comment: In silico analysis supports that this missense variant has a deleterious effect on protein structure/function; Has not been previously published as pathogenic or benign to our knowledge

PreventionGenetics, part of Exact Sciences
Classification: Likely benign for COL18A1-related condition. Last evaluated: 2022-02-03. Review status: no assertion criteria provided. Collection method: clinical testing. Allele origin: germline. Not counted in ClinVar's aggregate classification.
Comment: This variant is classified as likely benign based on ACMG/AMP sequence variant interpretation guidelines (Richards et al. 2015 PMID: 25741868, with internal and published modifications).

NM_001379500.1(COL18A1):c.2890C>T (p.Arg964Trp)

Genes: COL18A1 (collagen type XVIII alpha 1 chain; plus strand), SLC19A1 (solute carrier family 19 member 1; minus strand). Cytogenetic location: 21q22.3.
Variant type: single nucleotide variant.
Coding change: c.2890C>T on transcript NM_001379500.1 (MANE Select); coding-DNA position 2890, C replaced by T.
Protein change: p.Arg964Trp; replaces arginine 964 with tryptophan.
Molecular consequence: missense variant.
Genome position (GRCh38, 1-based): chr21:45,505,155, C>T. VCF-style: chr21-45505155-C-T. GRCh37 (hg19) VCF-style: chr21-46925069-C-T.
Other names: NM_130445.2:c.2881C>T; c.3421C>T (NM_030582.3); c.3421C>T, p.Arg1141Trp (NM_030582.4); c.4126C>T, p.Arg1376Trp (NM_130444.3); short protein forms R1141W, R1376W, R964W.
Identifiers: ClinVar variation 1218124 (VCV001218124.16), dbSNP rs371106773, ClinGen allele CA10067540.